The following is an entry in ClinVar:

NM_139076.3(ABRAXAS1):c.201C>G (p.Cys67Trp)

Gene: ABRAXAS1 (abraxas 1, BRCA1 A complex subunit; minus strand). Cytogenetic location: 4q21.23.
Variant type: single nucleotide variant.
Coding change: c.201C>G on transcript NM_139076.3 (MANE Select); coding-DNA position 201, C replaced by G.
Protein change: p.Cys67Trp; replaces cysteine 67 with tryptophan.
Molecular consequence: missense variant. On other transcripts: 5 prime UTR variant (1).
Genome position (GRCh38, 1-based): chr4:83,476,657, G>C on the plus strand (C>G on the coding strand, the complement: ABRAXAS1 is on the minus strand). VCF-style: chr4-83476657-G-C. GRCh37 (hg19) VCF-style: chr4-84397810-G-C.
Other names: c.-60C>G (NM_001345962.2); short protein forms C67W.
Identifiers: ClinVar variation 2563997 (VCV002563997.2), dbSNP rs1722781016, ClinGen allele CA357261527.
Genomic context (GRCh38, chr4:83,476,657, plus strand): 5'-AGTAATTTTCACAATGGATCATTTACTTACTAGCACTACTACTTACCTAAAAAGCTGATA[G>C]CATGGAATATATTTCTGAATGTCTGGAAGAAAAGGATTTTTAGTTATGATTACATTAATT-3'
Protein context (NP_620775.2, residues 57-77): YTIDIQKYIP[Cys67Trp]YQLFSFYNSS

ClinVar aggregate classification (germline): Uncertain significance (1 of 4 stars; one submission).

Submission:

Ambry Genetics
Classification: Uncertain significance. Last evaluated: 2023-04-23. Review status: criteria provided, single submitter. Criteria: Ambry Variant Classification Scheme 2023. Collection method: clinical testing. Allele origin: germline.
Comment: The p.C67W variant (also known as c.201C>G), located in coding exon 3 of the FAM175A gene, results from a C to G substitution at nucleotide position 201. The cysteine at codon 67 is replaced by tryptophan, an amino acid with highly dissimilar properties. This amino acid position is conserved. In addition, the in silico prediction for this alteration is inconclusive. Since supporting evidence is limited at this time, the clinical significance of this alteration remains unclear.